The following is an entry in ClinVar:

NM_025144.4(ALPK1):c.475+5G>A

Gene: ALPK1 (alpha kinase 1; plus strand). Cytogenetic location: 4q25.
Variant type: single nucleotide variant.
Coding change: c.475+5G>A on transcript NM_025144.4 (MANE Select); 5 bases into the intron after coding-DNA position 475, G replaced by A.
Molecular consequence: intron variant.
Genome position (GRCh38, 1-based): chr4:112,412,030, G>A. VCF-style: chr4-112412030-G-A. GRCh37 (hg19) VCF-style: chr4-113333186-G-A.
Other names: c.475+5G>A (NM_001102406.2); c.241+5G>A (NM_001253884.2).
Identifiers: ClinVar variation 2785466 (VCV002785466.3), dbSNP rs1488531927, ClinGen allele CA554523346.

ClinVar aggregate classification (germline): Uncertain significance (1 of 4 stars; one submission).

Allele frequency attached by ClinVar (database versions not stated): gnomAD exomes 0.00001; gnomAD 0.00003.
gnomAD v4.1: 9 of 1,613,544 alleles (0.00056%); highest among the groups gnomAD compares: East Asian, 0.0089%; no homozygotes.

Submission:

Labcorp Genetics (formerly Invitae), Labcorp
Classification: Uncertain significance. Last evaluated: 2023-10-17. Review status: criteria provided, single submitter. Criteria: Invitae Variant Classification Sherloc (09022015). Collection method: clinical testing. Allele origin: germline.
Comment: This sequence change falls in intron 5 of the ALPK1 gene. It does not directly change the encoded amino acid sequence of the ALPK1 protein. It affects a nucleotide within the consensus splice site. This variant is present in population databases (no rsID available, gnomAD 0.006%). This variant has not been reported in the literature in individuals affected with ALPK1-related conditions. Variants that disrupt the consensus splice site are a relatively common cause of aberrant splicing (PMID: 17576681, 9536098). Algorithms developed to predict the effect of sequence changes on RNA splicing suggest that this variant is not likely to affect RNA splicing. In summary, the available evidence is currently insufficient to determine the role of this variant in disease. Therefore, it has been classified as a Variant of Uncertain Significance.

Literature cited by the submitters: PubMed 17576681; PubMed 9536098.